The following is an entry in ClinVar:

ClinVar aggregate classification (germline): Uncertain significance (1 of 4 stars; one submission).

Submission:

Labcorp Genetics (formerly Invitae), Labcorp
Classification: Uncertain significance. Last evaluated: 2025-08-12. Review status: criteria provided, single submitter. Criteria: Invitae Variant Classification Sherloc (09022015). Collection method: clinical testing. Allele origin: germline.
Comment: This sequence change replaces leucine, which is neutral and non-polar, with isoleucine, which is neutral and non-polar, at codon 1566 of the CACNA1F protein (p.Leu1566Ile). This variant is not present in population databases (gnomAD no frequency). This variant has not been reported in the literature in individuals affected with CACNA1F-related conditions. ClinVar contains an entry for this variant (Variation ID: 2047529). Invitae Evidence Modeling of protein sequence and biophysical properties (such as structural, functional, and spatial information, amino acid conservation, physicochemical variation, residue mobility, and thermodynamic stability) indicates that this missense variant is not expected to disrupt CACNA1F protein function with a negative predictive value of 80%. In summary, the available evidence is currently insufficient to determine the role of this variant in disease. Therefore, it has been classified as a Variant of Uncertain Significance.

NM_001256789.3(CACNA1F):c.4663C>A (p.Leu1555Ile)

Genes: CACNA1F (calcium voltage-gated channel subunit alpha1 F; minus strand), LOC126863257 (BRD4-independent group 4 enhancer GRCh37_chrX:49065732-49066931; plus strand). Cytogenetic location: Xp11.23.
Variant type: single nucleotide variant.
Coding change: c.4663C>A on transcript NM_001256789.3 (MANE Select); coding-DNA position 4663, C replaced by A.
Protein change: p.Leu1555Ile; replaces leucine 1555 with isoleucine.
Molecular consequence: missense variant.
Genome position (GRCh38, 1-based): chrX:49,209,968, G>T on the plus strand (C>A on the coding strand, the complement: CACNA1F is on the minus strand). VCF-style: chrX-49209968-G-T. GRCh37 (hg19) VCF-style: chrX-49066428-G-T.
Other names: c.4501C>A, p.Leu1501Ile (NM_001256790.3); c.4696C>A, p.Leu1566Ile (NM_005183.4); short protein forms L1555I, L1566I, L1501I.
Identifiers: ClinVar variation 2047529 (VCV002047529.4), dbSNP rs2520757366, ClinGen allele CA412960499.